The following is an entry in ClinVar:

ClinVar aggregate classification (germline): Uncertain significance (1 of 4 stars; one submission).

Conditions:
Parathyroid carcinoma (PRTC). Also called: Parathyroid gland carcinoma; CDC73-Related Parathyroid Carcinoma. Identifiers: Orphanet 143, MedGen C0687150, MONDO:0012004, OMIM 608266, HP:0006780.

Submission:

Labcorp Genetics (formerly Invitae), Labcorp
Classification: Uncertain significance for Parathyroid carcinoma. Last evaluated: 2024-09-22. Review status: criteria provided, single submitter. Criteria: Invitae Variant Classification Sherloc (09022015). Collection method: clinical testing. Allele origin: germline.
Comment: This sequence change replaces glutamic acid, which is acidic and polar, with alanine, which is neutral and non-polar, at codon 228 of the CDC73 protein (p.Glu228Ala). This variant is not present in population databases (gnomAD no frequency). This variant has not been reported in the literature in individuals affected with CDC73-related conditions. Invitae Evidence Modeling of protein sequence and biophysical properties (such as structural, functional, and spatial information, amino acid conservation, physicochemical variation, residue mobility, and thermodynamic stability) indicates that this missense variant is expected to disrupt CDC73 protein function with a positive predictive value of 80%. In summary, the available evidence is currently insufficient to determine the role of this variant in disease. Therefore, it has been classified as a Variant of Uncertain Significance.

NM_024529.5(CDC73):c.683A>C (p.Glu228Ala)

Gene: CDC73 (cell division cycle 73; plus strand). Cytogenetic location: 1q31.2.
Variant type: single nucleotide variant.
Coding change: c.683A>C on transcript NM_024529.5 (MANE Select); coding-DNA position 683, A replaced by C.
Protein change: p.Glu228Ala; replaces glutamic acid 228 with alanine.
Molecular consequence: missense variant.
Genome position (GRCh38, 1-based): chr1:193,142,020, A>C. VCF-style: chr1-193142020-A-C. GRCh37 (hg19) VCF-style: chr1-193111150-A-C.
Other names: short protein forms E228A.
Identifiers: ClinVar variation 3719943 (VCV003719943.2).
Genomic context (GRCh38, chr1:193,142,020, plus strand): 5'-TTAAACAGAGGAGTTTTGTGGATGCTGAGGTAGATGTGACCCGAGATATTGTCAGCAGAG[A>C]GAGAGTATGGAGGACACGAACAACTATCTTACAAAGCACAGGAAAGGTAATTAAAATATT-3'
Protein context (NP_078805.3, residues 218-238): VDVTRDIVSR[Glu228Ala]RVWRTRTTIL